The following is an entry in ClinVar:

NM_003394.4(WNT10B):c.391G>A (p.Ala131Thr)

Gene: WNT10B (Wnt family member 10B; minus strand). Cytogenetic location: 12q13.12.
Variant type: single nucleotide variant.
Coding change: c.391G>A on transcript NM_003394.4 (MANE Select); coding-DNA position 391, G replaced by A.
Protein change: p.Ala131Thr; replaces alanine 131 with threonine.
Molecular consequence: missense variant.
Genome position (GRCh38, 1-based): chr12:48,968,266, C>T on the plus strand (G>A on the coding strand, the complement: WNT10B is on the minus strand). VCF-style: chr12-48968266-C-T. GRCh37 (hg19) VCF-style: chr12-49362049-C-T.
Other names: c.391G>A (NM_003394.3); short protein forms A131T.
Identifiers: ClinVar variation 2083188 (VCV002083188.5), dbSNP rs756615718, ClinGen allele CA6544182.

ClinVar aggregate classification (germline): Uncertain significance. Review status: criteria provided, multiple submitters, no conflicts (2 of 4 stars). 2 submissions from 2 submitters: Uncertain significance (2). Last evaluated 2025-01-06.

Conditions:
Inborn genetic diseases. Identifiers: MedGen C0950123, MeSH D030342.

Allele frequency attached by ClinVar (database versions not stated): gnomAD exomes 0.00001; ExAC 0.00003; gnomAD 0.00003; TOPMed 0.00003.
gnomAD v4.1: 20 of 1,607,296 alleles (0.0012%); highest among the groups gnomAD compares: Admixed American, 0.018%; no homozygotes.

Submissions (2):

Labcorp Genetics (formerly Invitae), Labcorp
Classification: Uncertain significance. Last evaluated: 2025-01-06. Review status: criteria provided, single submitter. Criteria: Invitae Variant Classification Sherloc (09022015). Collection method: clinical testing. Allele origin: germline.
Comment: This sequence change replaces alanine, which is neutral and non-polar, with threonine, which is neutral and polar, at codon 131 of the WNT10B protein (p.Ala131Thr). This variant is present in population databases (rs756615718, gnomAD 0.02%). This variant has not been reported in the literature in individuals affected with WNT10B-related conditions. ClinVar contains an entry for this variant (Variation ID: 2083188). Invitae Evidence Modeling of protein sequence and biophysical properties (such as structural, functional, and spatial information, amino acid conservation, physicochemical variation, residue mobility, and thermodynamic stability) indicates that this missense variant is not expected to disrupt WNT10B protein function with a negative predictive value of 80%. In summary, the available evidence is currently insufficient to determine the role of this variant in disease. Therefore, it has been classified as a Variant of Uncertain Significance.

Ambry Genetics
Classification: Uncertain significance for Inborn genetic diseases. Last evaluated: 2024-12-30. Review status: criteria provided, single submitter. Criteria: Ambry Variant Classification Scheme 2023. Collection method: clinical testing. Allele origin: germline.